The following is an entry in ClinVar:

ClinVar aggregate classification (germline): Benign. Review status: criteria provided, multiple submitters, no conflicts (2 of 4 stars). 3 submissions from 3 submitters: Benign (3). Last evaluated 2026-02-04.

Conditions:
Retinitis pigmentosa (RP). Identifiers: Orphanet 791, MedGen C0035334, MeSH D012174, MONDO:0019200, OMIM 268000. Inheritance: Autosomal dominant, autosomal recessive and X linked inheritance.

Allele frequency attached by ClinVar (database versions not stated): ESP Exome Variant Server 0.07661; TOPMed 0.07788; gnomAD 0.08135 and 0.08602; 1000 Genomes Project 30x 0.09229; 1000 Genomes Project 0.09485; gnomAD exomes 0.11731 and 0.12332; ExAC 0.20744.
gnomAD v4.1: 180,394 of 1,579,058 alleles (11%); highest among the groups gnomAD compares: South Asian, 23%; 11,484 homozygotes.

Submissions (3):

Labcorp Genetics (formerly Invitae), Labcorp
Classification: Benign. Last evaluated: 2026-02-04. Review status: criteria provided, single submitter. Criteria: Invitae Variant Classification Sherloc (09022015). Collection method: clinical testing. Allele origin: germline.

Illumina Laboratory Services, Illumina
Classification: Benign for Retinitis pigmentosa. Last evaluated: 2018-01-12. Review status: criteria provided, single submitter. Criteria: ICSL Variant Classification Criteria 13 December 2019. Collection method: clinical testing. Allele origin: germline.
Comment: This variant was observed in the ICSL laboratory as part of a predisposition screen in an ostensibly healthy population. It had not been previously curated by ICSL or reported in the Human Gene Mutation Database (HGMD: prior to June 1st, 2018), and was therefore a candidate for classification through an automated scoring system. Utilizing variant allele frequency, disease prevalence and penetrance estimates, and inheritance mode, an automated score was calculated to assess if this variant is too frequent to cause the disease. Based on the score and internal cut-off values, a variant classified as benign is not then subjected to further curation. The score for this variant resulted in a classification of benign for this disease.

Breakthrough Genomics
Classification: Benign. Review status: criteria provided, single submitter. Criteria: ACMG Guidelines, 2015. Collection method: not provided. Allele origin: germline. Inheritance: Autosomal dominant inheritance. Affected: yes.

NM_012469.4(PRPF6):c.71+6G>A

Genes: PRPF6 (pre-mRNA processing factor 6; plus strand), LOC130066413 (ATAC-STARR-seq lymphoblastoid silent region 13198; plus strand). Cytogenetic location: 20q13.33.
Variant type: single nucleotide variant.
Coding change: c.71+6G>A on transcript NM_012469.4 (MANE Select); 6 bases into the intron after coding-DNA position 71, G replaced by A.
Molecular consequence: intron variant.
Genome position (GRCh38, 1-based): chr20:63,981,322, G>A. VCF-style: chr20-63981322-G-A. GRCh37 (hg19) VCF-style: chr20-62612675-G-A.
Identifiers: ClinVar variation 339463 (VCV000339463.14), dbSNP rs45566234, ClinGen allele CA9971782.